The following is an entry in ClinVar:

ClinVar aggregate classification (germline): Uncertain significance. Review status: criteria provided, multiple submitters, no conflicts (2 of 4 stars). 4 submissions from 4 submitters: Uncertain significance (4). Last evaluated 2026-07-02.

Conditions:
Cardiomyopathy (CMYO). Also called: Cardiomyopathies. Identifiers: Orphanet 167848, MedGen C0878544, MONDO:0004994, HP:0001638. Inheritance: Various modes of inheritance.
Charcot-Marie-Tooth disease type 2. Also called: Charcot-Marie-Tooth type 2. Identifiers: Orphanet 64746, MedGen C0270914, MONDO:0018993.
Cardiovascular phenotype. Identifiers: MedGen CN230736.
Primary dilated cardiomyopathy (DCM). Also called: Dilated Cardiomyopathy. Identifiers: Orphanet 217604, MedGen C0007193, MeSH D002311, MONDO:0005021, HP:0001644. Inheritance: Various modes of inheritance.

Submissions (4):

Ambry Genetics
Classification: Uncertain significance for Cardiovascular phenotype. Last evaluated: 2026-07-02. Review status: criteria provided, single submitter. Criteria: Ambry Variant Classification Scheme 2023. Collection method: clinical testing. Allele origin: germline.
Comment: The p.S601R variant (also known as c.1801A>C), located in coding exon 11 of the LMNA gene, results from an A to C substitution at nucleotide position 1801. The serine at codon 601 is replaced by arginine, an amino acid with dissimilar properties. This amino acid position is conserved. In addition, the in silico prediction for this alteration is inconclusive. Based on the available evidence, the clinical significance of this variant remains unclear.

Color Diagnostics, LLC DBA Color Health
Classification: Uncertain significance for Cardiomyopathy. Last evaluated: 2024-03-06. Review status: criteria provided, single submitter. Criteria: ACMG Guidelines, 2015. Collection method: clinical testing. Allele origin: germline.
Comment: This missense variant replaces serine with arginine at codon 601 of the lamin A transcript (NM_170707.3). This variant represents a single nucleotide substitution in the 3' untranslated region of the lamin C transcript (NM_005572.3: c.*826A>C). Computational prediction suggests that this variant may not impact protein structure and function (internally defined REVEL score threshold <= 0.5, PMID: 27666373). To our knowledge, functional studies have not been reported for this variant. This variant has not been reported in individuals affected with cardiovascular disorders in the literature. This variant has not been identified in the general population by the Genome Aggregation Database (gnomAD). The available evidence is insufficient to determine the role of this variant in disease conclusively. Therefore, this variant is classified as a Variant of Uncertain Significance.

All of Us Research Program, National Institutes of Health
Classification: Uncertain significance for Primary dilated cardiomyopathy. Last evaluated: 2023-11-20. Review status: criteria provided, single submitter. Criteria: ACMG Guidelines, 2015. Collection method: clinical testing. Allele origin: germline. Inheritance: Autosomal dominant inheritance. Observed: 2 variant alleles, 2 heterozygotes.
Comment: This missense variant replaces serine with arginine at codon 601 of the lamin A transcript (NM_170707.3). This variant represents a single nucleotide substitution in the 3' untranslated region of the lamin C transcript (NM_005572.3: c.*826A>C). Computational prediction suggests that this variant may not impact protein structure and function (internally defined REVEL score threshold <= 0.5, PMID: 27666373). To our knowledge, functional studies have not been reported for this variant. This variant has not been reported in individuals affected with cardiovascular disorders in the literature. This variant has not been identified in the general population by the Genome Aggregation Database (gnomAD). The available evidence is insufficient to determine the role of this variant in disease conclusively. Therefore, this variant is classified as a Variant of Uncertain Significance.

This study involves interpretation of variants in research participants for the purpose of population health screening. Participant phenotype was not available at the time of variant classification. Additional details can be found in publication PMID: 35346344, PMCID: PMC8962531

Labcorp Genetics (formerly Invitae), Labcorp
Classification: Uncertain significance for Charcot-Marie-Tooth disease type 2. Last evaluated: 2023-11-15. Review status: criteria provided, single submitter. Criteria: Invitae Variant Classification Sherloc (09022015). Collection method: clinical testing. Allele origin: germline.
Comment: This sequence change replaces serine, which is neutral and polar, with arginine, which is basic and polar, at codon 601 of the LMNA protein (p.Ser601Arg). This variant is not present in population databases (gnomAD no frequency). This variant has not been reported in the literature in individuals affected with LMNA-related conditions. Advanced modeling of protein sequence and biophysical properties (such as structural, functional, and spatial information, amino acid conservation, physicochemical variation, residue mobility, and thermodynamic stability) has been performed at Invitae for this missense variant, however the output from this modeling did not meet the statistical confidence thresholds required to predict the impact of this variant on LMNA protein function. In summary, the available evidence is currently insufficient to determine the role of this variant in disease. Therefore, it has been classified as a Variant of Uncertain Significance.

NM_170707.4(LMNA):c.1801A>C (p.Ser601Arg)

Gene: LMNA (lamin A/C; plus strand). Cytogenetic location: 1q22.
Variant type: single nucleotide variant.
Coding change: c.1801A>C on transcript NM_170707.4 (MANE Select); coding-DNA position 1801, A replaced by C.
Protein change: p.Ser601Arg; replaces serine 601 with arginine.
Molecular consequence: missense variant.
Genome position (GRCh38, 1-based): chr1:156,138,590, A>C. VCF-style: chr1-156138590-A-C. GRCh37 (hg19) VCF-style: chr1-156108381-A-C.
Other names: c.1465A>C, p.Ser489Arg (NM_001257374.3, NM_001406989.1); c.1801A>C, p.Ser601Arg (NM_001282626.2, NM_001406983.1, NM_001406985.1 and 1 more transcripts); c.1558A>C, p.Ser520Arg (NM_001406986.1, NM_001406987.1); c.1504A>C, p.Ser502Arg (NM_001406988.1); c.1243A>C, p.Ser415Arg (NM_001406990.1, NM_001406993.1, NM_001406995.1 and 2 more transcripts); c.1177A>C, p.Ser393Arg (NM_001406994.1, NM_001406999.1, NM_001407000.1 and 1 more transcripts); c.1711A>C, p.Ser571Arg (NM_170708.4); short protein forms S489R, S601R, S520R, S393R, S415R, S571R, S502R.
Identifiers: ClinVar variation 2773554 (VCV002773554.7), dbSNP rs2528028349, ClinGen allele CA342826923.